The following is an entry in ClinVar:

NM_175875.5(SIX5):c.1342G>C (p.Val448Leu)

Gene: SIX5 (SIX homeobox 5; minus strand). Cytogenetic location: 19q13.32.
Variant type: single nucleotide variant.
Coding change: c.1342G>C on transcript NM_175875.5 (MANE Select); coding-DNA position 1342, G replaced by C.
Protein change: p.Val448Leu; replaces valine 448 with leucine.
Molecular consequence: missense variant.
Genome position (GRCh38, 1-based): chr19:45,766,617, C>G on the plus strand (G>C on the coding strand, the complement: SIX5 is on the minus strand). VCF-style: chr19-45766617-C-G. GRCh37 (hg19) VCF-style: chr19-46269875-C-G.
Other names: c.1342G>C (NM_175875.4); short protein forms V448L.
Identifiers: ClinVar variation 2414314 (VCV002414314.8), dbSNP rs903976524, ClinGen allele CA309000891.

ClinVar aggregate classification (germline): Conflicting classifications of pathogenicity. Review status: criteria provided, conflicting classifications (1 of 4 stars). 3 submissions from 3 submitters: Uncertain significance (2); Likely benign (1). Last evaluated 2025-11-05.

Conditions:
Branchiootorenal syndrome 2 (BOR2). Identifiers: Orphanet 107, MedGen C1970479, MONDO:0012575, OMIM 610896.

Allele frequency attached by ClinVar (database versions not stated): gnomAD exomes 0.00001; gnomAD 0.00002; TOPMed 0.00002.
gnomAD v4.1: 16 of 1,471,050 alleles (0.0011%); highest among the groups gnomAD compares: Admixed American, 0.0099%; 1 homozygote.

Submissions (3):

Ambry Genetics
Classification: Likely benign. Last evaluated: 2025-11-05. Review status: criteria provided, single submitter. Criteria: Ambry Variant Classification Scheme 2023. Collection method: clinical testing. Allele origin: germline.

Labcorp Genetics (formerly Invitae), Labcorp
Classification: Uncertain significance. Last evaluated: 2025-08-21. Review status: criteria provided, single submitter. Criteria: Invitae Variant Classification Sherloc (09022015). Collection method: clinical testing. Allele origin: germline.
Comment: This sequence change replaces valine, which is neutral and non-polar, with leucine, which is neutral and non-polar, at codon 448 of the SIX5 protein (p.Val448Leu). This variant is present in population databases (no rsID available, gnomAD 0.008%). This variant has not been reported in the literature in individuals affected with SIX5-related conditions. ClinVar contains an entry for this variant (Variation ID: 2414314). Invitae Evidence Modeling of protein sequence and biophysical properties (such as structural, functional, and spatial information, amino acid conservation, physicochemical variation, residue mobility, and thermodynamic stability) indicates that this missense variant is not expected to disrupt SIX5 protein function with a negative predictive value of 80%. In summary, the available evidence is currently insufficient to determine the role of this variant in disease. Therefore, it has been classified as a Variant of Uncertain Significance.

Fulgent Genetics
Classification: Uncertain significance for Branchiootorenal syndrome 2. Last evaluated: 2024-05-19. Review status: criteria provided, single submitter. Criteria: ACMG Guidelines, 2015. Collection method: clinical testing. Allele origin: germline.